The following is an entry in ClinVar:

NM_003482.4(KMT2D):c.14625C>G (p.Ile4875Met)

Gene: KMT2D (lysine methyltransferase 2D; minus strand). Cytogenetic location: 12q13.12.
Variant type: single nucleotide variant.
Coding change: c.14625C>G on transcript NM_003482.4 (MANE Select); coding-DNA position 14625, C replaced by G.
Protein change: p.Ile4875Met; replaces isoleucine 4875 with methionine.
Molecular consequence: missense variant.
Genome position (GRCh38, 1-based): chr12:49,027,821, G>C on the plus strand (C>G on the coding strand, the complement: KMT2D is on the minus strand). VCF-style: chr12-49027821-G-C. GRCh37 (hg19) VCF-style: chr12-49421604-G-C.
Other names: short protein forms I4875M.
Identifiers: ClinVar variation 1397419 (VCV001397419.7), dbSNP rs1942680573, ClinGen allele CA384693904.
Genomic context (GRCh38, chr12:49,027,821, plus strand): 5'-CCTTTTTTCTAACACCCACCCCTTTTTCTCCCCCAGACCTACCTGTTTCAGGAGGCTCAA[G>C]ATGTCTAGTTGGCTCTTCAGGGTATAGCCAGGCAACACTGCATCAAACTGCTTCAGCCAA-3'
Protein context (NP_003473.3, residues 4865-4885): PGYTLKSQLD[Ile4875Met]LSLLKQESPA

ClinVar aggregate classification (germline): Conflicting classifications of pathogenicity. Review status: criteria provided, conflicting classifications (1 of 4 stars). 2 submissions from 2 submitters: Uncertain significance (1); Likely benign (1). Last evaluated 2025-09-24.

Conditions:
Kabuki syndrome. Also called: NIIKAWA-KUROKI SYNDROME; Kabuki make-up syndrome. Identifiers: Orphanet 2322, MedGen C0796004, MONDO:0016512.

Allele frequency attached by ClinVar (database versions not stated): gnomAD exomes below 0.00001; TOPMed below 0.00001.
gnomAD v4.1: 1 of 1,575,856 alleles (0.000063%); highest among the groups gnomAD compares: African/African-American, 0.0014%; no homozygotes.

Submissions (2):

Labcorp Genetics (formerly Invitae), Labcorp
Classification: Uncertain significance for Kabuki syndrome. Last evaluated: 2025-09-24. Review status: criteria provided, single submitter. Criteria: Invitae Variant Classification Sherloc (09022015). Collection method: clinical testing. Allele origin: germline.
Comment: This sequence change replaces isoleucine, which is neutral and non-polar, with methionine, which is neutral and non-polar, at codon 4875 of the KMT2D protein (p.Ile4875Met). This variant is not present in population databases (gnomAD no frequency). This variant has not been reported in the literature in individuals affected with KMT2D-related conditions. ClinVar contains an entry for this variant (Variation ID: 1397419). Invitae Evidence Modeling of protein sequence and biophysical properties (such as structural, functional, and spatial information, amino acid conservation, physicochemical variation, residue mobility, and thermodynamic stability) indicates that this missense variant is not expected to disrupt KMT2D protein function with a negative predictive value of 95%. In summary, the available evidence is currently insufficient to determine the role of this variant in disease. Therefore, it has been classified as a Variant of Uncertain Significance.

Blueprint Genetics
Classification: Likely benign. Last evaluated: 2022-07-15. Review status: criteria provided, single submitter. Criteria: ACMG Guidelines, 2015. Collection method: clinical testing. Allele origin: germline.